The following is an entry in ClinVar:

ClinVar aggregate classification (germline): Uncertain significance (1 of 4 stars; one submission).

Submission:

Labcorp Genetics (formerly Invitae), Labcorp
Classification: Uncertain significance. Last evaluated: 2022-07-23. Review status: criteria provided, single submitter. Criteria: Invitae Variant Classification Sherloc (09022015). Collection method: clinical testing. Allele origin: germline.
Comment: This variant has not been reported in the literature in individuals affected with DEF6-related conditions. This variant is not present in population databases (gnomAD no frequency). This sequence change replaces valine, which is neutral and non-polar, with aspartic acid, which is acidic and polar, at codon 86 of the DEF6 protein (p.Val86Asp). Algorithms developed to predict the effect of missense changes on protein structure and function are either unavailable or do not agree on the potential impact of this missense change (SIFT: "Deleterious"; PolyPhen-2: "Benign"; Align-GVGD: "Class C15"). In summary, the available evidence is currently insufficient to determine the role of this variant in disease. Therefore, it has been classified as a Variant of Uncertain Significance.

NM_022047.4(DEF6):c.257T>A (p.Val86Asp)

Gene: DEF6 (DEF6 guanine nucleotide exchange factor; plus strand). Cytogenetic location: 6p21.31.
Variant type: single nucleotide variant.
Coding change: c.257T>A on transcript NM_022047.4 (MANE Select); coding-DNA position 257, T replaced by A.
Protein change: p.Val86Asp; replaces valine 86 with aspartic acid.
Molecular consequence: missense variant.
Genome position (GRCh38, 1-based): chr6:35,310,478, T>A. VCF-style: chr6-35310478-T-A. GRCh37 (hg19) VCF-style: chr6-35278255-T-A.
Other names: short protein forms V86D.
Identifiers: ClinVar variation 1713551 (VCV001713551.4), dbSNP rs2534179990, ClinGen allele CA363761866.
Genomic context (GRCh38, chr6:35,310,478, plus strand): 5'-GCTGAGATATGCAGTCAGCTGATTTGCAGCCCTGGTGGCAGGTGGAGGAGGGGGCTTTTG[T>A]TAAAGAGCACTTTGATGAGCTGTGCTGGACGCTGACGGCCAAGAAGAACTATCGGGCAGA-3'
Protein context (NP_071330.3, residues 76-96): ILDKVEEGAF[Val86Asp]KEHFDELCWT